The following is an entry in ClinVar:

ClinVar aggregate classification (germline): Likely pathogenic (1 of 4 stars; one submission).

Conditions:
ELAC2-related disorder. Also called: ELAC2-related condition.

Submission:

PreventionGenetics, part of Exact Sciences
Classification: Likely pathogenic for ELAC2-related condition. Last evaluated: 2026-05-05. Review status: criteria provided, single submitter. Criteria: ACMG Guidelines, 2015. Collection method: clinical testing. Allele origin: germline.
Comment: The ELAC2 c.1449dupC variant is predicted to result in a frameshift and premature protein termination (p.Ile484Hisfs*35). To our knowledge, this variant has not been reported in the literature or in a large population database (gnomAD), indicating this variant is rare. Frameshift variants in ELAC2 are expected to be pathogenic. This variant is interpreted as likely pathogenic.

NM_018127.7(ELAC2):c.1449dup (p.Ile484fs)

Gene: ELAC2 (elaC ribonuclease Z 2; minus strand). Cytogenetic location: 17p12.
Variant type: Duplication.
Coding change: c.1449dup on transcript NM_018127.7 (MANE Select); coding-DNA position 1449, one base duplicated (C; older notation c.1449dupC).
Protein change: p.Ile484fs; shifts the reading frame from isoleucine 484.
Molecular consequence: frameshift variant.
Genome position (GRCh38, 1-based): chr17:12,998,483, G duplicated on the plus strand (C on the coding strand, the reverse complement: ELAC2 is on the minus strand). VCF-style (leftmost placement, unchanged base first): chr17-12998482-T-TG. GRCh37 (hg19) VCF-style: chr17-12901799-T-TG.
Other names: c.1329dup, p.Ile444fs (NM_001165962.2); c.1446dup, p.Ile483fs (NM_173717.2); short protein forms I483fs, I484fs, I444fs.
Identifiers: ClinVar variation 4993060 (VCV004993060.1).
Genomic context (GRCh38, chr17:12,998,482, plus strand): 5'-CAAGTGTGGCACTGACATTTCGAATCTTCATCGGGATGGCAGACCCTGTTCCAAGGAAGA[T>TG]GATTTCTGGGTACTGACTTCTTTTCTCTGTGAAAAAATCCATGTGAAACAATCCATTCCT-3'